The following is an entry in ClinVar:

ClinVar aggregate classification (germline): Uncertain significance (1 of 4 stars; one submission).

Submission:

GeneDx
Classification: Uncertain significance. Last evaluated: 2024-12-16. Review status: criteria provided, single submitter. Criteria: GeneDx Variant Classification Process June 2021. Collection method: clinical testing. Allele origin: germline.
Comment: Not observed at significant frequency in large population cohorts (gnomAD); In silico analysis supports that this missense variant has a deleterious effect on protein structure/function; Has not been previously published as pathogenic or benign to our knowledge

NM_001348323.3(TRIP12):c.427C>T (p.Pro143Ser)

Gene: TRIP12 (thyroid hormone receptor interactor 12; minus strand). Cytogenetic location: 2q36.3.
Variant type: single nucleotide variant.
Coding change: c.427C>T on transcript NM_001348323.3 (MANE Select); coding-DNA position 427, C replaced by T.
Protein change: p.Pro143Ser; replaces proline 143 with serine.
Molecular consequence: missense variant. On other transcripts: intron variant (1).
Genome position (GRCh38, 1-based): chr2:229,859,372, G>A on the plus strand (C>T on the coding strand, the complement: TRIP12 is on the minus strand). VCF-style: chr2-229859372-G-A. GRCh37 (hg19) VCF-style: chr2-230724088-G-A.
Other names: c.427C>T, p.Pro143Ser (NM_001284214.2, NM_001348315.2, NM_001348319.1 and 15 more transcripts); c.301C>T, p.Pro101Ser (NM_001284215.2, NM_001348316.2, NM_001348317.1 and 3 more transcripts); c.98+20610C>T (NM_001284216.2); short protein forms P101S, P143S.
Identifiers: ClinVar variation 2430636 (VCV002430636.2), dbSNP rs2475974057, ClinGen allele CA350898441.